The following is an entry in ClinVar:

NM_004268.5(MED17):c.5C>G (p.Ser2Cys)

Genes: MED17 (mediator complex subunit 17; plus strand), LOC112136095 (Sharpr-MPRA regulatory region 5970; plus strand). Cytogenetic location: 11q21.
Variant type: single nucleotide variant.
Coding change: c.5C>G on transcript NM_004268.5 (MANE Select); coding-DNA position 5, C replaced by G.
Protein change: p.Ser2Cys; replaces serine 2 with cysteine.
Molecular consequence: missense variant.
Genome position (GRCh38, 1-based): chr11:93,784,518, C>G. VCF-style: chr11-93784518-C-G. GRCh37 (hg19) VCF-style: chr11-93517684-C-G.
Other names: short protein forms S2C.
Identifiers: ClinVar variation 1445226 (VCV001445226.8), dbSNP rs201799308, ClinGen allele CA382386796.

ClinVar aggregate classification (germline): Uncertain significance (1 of 4 stars; one submission).

Submission:

Labcorp Genetics (formerly Invitae), Labcorp
Classification: Uncertain significance. Last evaluated: 2024-10-25. Review status: criteria provided, single submitter. Criteria: Invitae Variant Classification Sherloc (09022015). Collection method: clinical testing. Allele origin: germline.
Comment: This sequence change replaces serine, which is neutral and polar, with cysteine, which is neutral and slightly polar, at codon 2 of the MED17 protein (p.Ser2Cys). This variant is not present in population databases (gnomAD no frequency). This variant has not been reported in the literature in individuals affected with MED17-related conditions. ClinVar contains an entry for this variant (Variation ID: 1445226). An algorithm developed to predict the effect of missense changes on protein structure and function (PolyPhen-2) suggests that this variant is likely to be disruptive. In summary, the available evidence is currently insufficient to determine the role of this variant in disease. Therefore, it has been classified as a Variant of Uncertain Significance.